The following is an entry in ClinVar:

NM_021870.3(FGG):c.153T>A (p.Ile51=)

Gene: FGG (fibrinogen gamma chain; minus strand). Cytogenetic location: 4q32.1.
Variant type: single nucleotide variant.
Coding change: c.153T>A on transcript NM_021870.3 (MANE Select); coding-DNA position 153, T replaced by A.
Protein change: p.Ile51=; no amino-acid change (isoleucine 51 retained).
Molecular consequence: synonymous variant.
Genome position (GRCh38, 1-based): chr4:154,612,172, A>T on the plus strand (T>A on the coding strand, the complement: FGG is on the minus strand). VCF-style: chr4-154612172-A-T. GRCh37 (hg19) VCF-style: chr4-155533324-A-T.
Other names: c.153T>A, p.Ile51= (NM_000509.6).
Identifiers: ClinVar variation 3907909 (VCV003907909.1).
Genomic context (GRCh38, chr4:154,612,172, plus strand): 5'-GTCTTCCAAAGACTGTAGATCCTTGTCTACTTTGGTTTGATAAGTAGACAGGAAATCTGC[A>T]ATGCCACAGGTAGTTGGACAATAACTACCCTGAAAATATAACAGTGATTAAAAATGTAGA-3'
Protein context (NP_068656.2, residues 41-61): FGSYCPTTCG[Ile51=]ADFLSTYQTK

ClinVar aggregate classification (germline): Uncertain significance (1 of 4 stars; one submission).

Submission:

GeneDx
Classification: Uncertain significance. Last evaluated: 2024-12-23. Review status: criteria provided, single submitter. Criteria: GeneDx Variant Classification Process June 2021. Collection method: clinical testing. Allele origin: germline. Affected: yes.
Comment: Not observed at significant frequency in large population cohorts (gnomAD); Has not been previously published as pathogenic or benign to our knowledge; In silico analysis is inconclusive as to whether the variant alters gene splicing. In the absence of RNA/functional studies, the actual effect of this sequence change is unknown.